The following is an entry in ClinVar:

NM_144573.4(NEXN):c.802G>C (p.Glu268Gln)

Gene: NEXN (nexilin F-actin binding protein; plus strand). Cytogenetic location: 1p31.1.
Variant type: single nucleotide variant.
Coding change: c.802G>C on transcript NM_144573.4 (MANE Select); coding-DNA position 802, G replaced by C.
Protein change: p.Glu268Gln; replaces glutamic acid 268 with glutamine.
Molecular consequence: missense variant.
Genome position (GRCh38, 1-based): chr1:77,926,830, G>C. VCF-style: chr1-77926830-G-C. GRCh37 (hg19) VCF-style: chr1-78392515-G-C.
Other names: c.610G>C, p.Glu204Gln (NM_001172309.2); short protein forms E204Q, E268Q.
Identifiers: ClinVar variation 2099175 (VCV002099175.4), dbSNP rs2523208841, ClinGen allele CA340874323.

ClinVar aggregate classification (germline): Uncertain significance (1 of 4 stars; one submission).

Conditions:
Hypertrophic cardiomyopathy 20. Identifiers: MedGen C3151267, MONDO:0013477, OMIM 613876.
Dilated cardiomyopathy 1CC (CMD1CC). Identifiers: Orphanet 154, MedGen C2751084, MONDO:0013147, OMIM 613122.

Allele frequency attached by ClinVar (database versions not stated): gnomAD exomes below 0.00001.
gnomAD v4.1: 1 of 1,614,016 alleles (0.000062%); highest among the groups gnomAD compares: Admixed American, 0.0017%; no homozygotes.

Submission:

Labcorp Genetics (formerly Invitae), Labcorp
Classification: Uncertain significance for Dilated cardiomyopathy 1CC; Hypertrophic cardiomyopathy 20. Last evaluated: 2022-02-19. Review status: criteria provided, single submitter. Criteria: Invitae Variant Classification Sherloc (09022015). Collection method: clinical testing. Allele origin: germline.
Comment: This sequence change replaces glutamic acid, which is acidic and polar, with glutamine, which is neutral and polar, at codon 268 of the NEXN protein (p.Glu268Gln). This variant is not present in population databases (gnomAD no frequency). This variant has not been reported in the literature in individuals affected with NEXN-related conditions. Algorithms developed to predict the effect of missense changes on protein structure and function (SIFT, PolyPhen-2, Align-GVGD) all suggest that this variant is likely to be tolerated. In summary, the available evidence is currently insufficient to determine the role of this variant in disease. Therefore, it has been classified as a Variant of Uncertain Significance.